The following is an entry in ClinVar:

ClinVar aggregate classification (germline): Uncertain significance (1 of 4 stars; one submission).

Conditions:
Nemaline myopathy 9 (NEM9). Identifiers: MedGen C3810384, MONDO:0014326, OMIM 615731.

Submission:

Labcorp Genetics (formerly Invitae), Labcorp
Classification: Uncertain significance for Nemaline myopathy 9. Last evaluated: 2022-01-27. Review status: criteria provided, single submitter. Criteria: Invitae Variant Classification Sherloc (09022015). Collection method: clinical testing. Allele origin: germline.
Comment: In summary, the available evidence is currently insufficient to determine the role of this variant in disease. Therefore, it has been classified as a Variant of Uncertain Significance. Algorithms developed to predict the effect of missense changes on protein structure and function (SIFT, PolyPhen-2, Align-GVGD) all suggest that this variant is likely to be disruptive. This variant has not been reported in the literature in individuals affected with KLHL41-related conditions. This variant is not present in population databases (gnomAD no frequency). This sequence change replaces aspartic acid, which is acidic and polar, with tyrosine, which is neutral and polar, at codon 25 of the KLHL41 protein (p.Asp25Tyr).

NM_006063.3(KLHL41):c.73G>T (p.Asp25Tyr)

Gene: KLHL41 (kelch like family member 41; plus strand). Cytogenetic location: 2q31.1.
Variant type: single nucleotide variant.
Coding change: c.73G>T on transcript NM_006063.3 (MANE Select); coding-DNA position 73, G replaced by T.
Protein change: p.Asp25Tyr; replaces aspartic acid 25 with tyrosine.
Molecular consequence: missense variant.
Genome position (GRCh38, 1-based): chr2:169,509,851, G>T. VCF-style: chr2-169509851-G-T. GRCh37 (hg19) VCF-style: chr2-170366361-G-T.
Other names: short protein forms D25Y.
Identifiers: ClinVar variation 2090506 (VCV002090506.4), dbSNP rs376586719, ClinGen allele CA349172773.